The following is an entry in ClinVar:

NM_138691.3(TMC1):c.1059del (p.Gln353_Val354insTer)

Gene: TMC1 (transmembrane channel like 1; plus strand). Cytogenetic location: 9q21.13.
Variant type: Deletion.
Coding change: c.1059del on transcript NM_138691.3 (MANE Select); coding-DNA position 1059, one base deleted (A; older notation c.1059delA).
Protein change: p.Gln353_Val354insTer.
Molecular consequence: frameshift variant.
Genome position (GRCh38, 1-based): chr9:72,789,152, A deleted; the last of 2 consecutive A bases (chr9:72,789,151-72,789,152); deleting either gives the same sequence. VCF-style (leftmost placement, unchanged base first): chr9-72789150-CA-C. GRCh37 (hg19) VCF-style: chr9-75404066-CA-C.
Identifiers: ClinVar variation 5007463 (VCV005007463.2).

ClinVar aggregate classification (germline): Likely pathogenic (1 of 4 stars; one submission).

Conditions:
Autosomal dominant nonsyndromic hearing loss 36. Identifiers: Orphanet 90635, MedGen C1847626, MONDO:0011708, OMIM 606705.
Autosomal recessive nonsyndromic hearing loss 7. Also called: DEAFNESS, AUTOSOMAL RECESSIVE 11. Identifiers: Orphanet 90636, MedGen C1832978, MONDO:0010967, OMIM 600974.

Submission:

Juno Genomics, Hangzhou Juno Genomics, Inc
Classification: Likely pathogenic for Autosomal dominant nonsyndromic hearing loss 36; Autosomal recessive nonsyndromic hearing loss 7. Review status: criteria provided, single submitter. Criteria: ACMG Guidelines, 2015. Collection method: clinical testing. Allele origin: germline.
Comment: Null variant in a gene where loss of function (LOF) is a known mechanism of disease.;Absent from controls (or at extremely low frequency if recessive) in Genome Aggregation Database.